The following is an entry in ClinVar:

ClinVar aggregate classification (germline): Benign. Review status: criteria provided, multiple submitters, no conflicts (2 of 4 stars). 3 submissions from 3 submitters: Benign (2). 1 of the submissions does not count toward it. Last evaluated 2019-12-31.

Conditions:
APBA2-related disorder. Also called: APBA2-related condition.

Allele frequency attached by ClinVar (database versions not stated): gnomAD exomes 0.00112; ExAC 0.00137; 1000 Genomes Project 0.00379; 1000 Genomes Project 30x 0.00390; ESP Exome Variant Server 0.00392; gnomAD 0.00421 and 0.00460; TOPMed 0.00454.
gnomAD v4.1: 1,340 of 1,613,948 alleles (0.083%); highest among the groups gnomAD compares: African/African-American, 1.5%; 14 homozygotes.

Submissions (3):

Labcorp Genetics (formerly Invitae), Labcorp
Classification: Benign. Last evaluated: 2019-12-31. Review status: criteria provided, single submitter. Criteria: Invitae Variant Classification Sherloc (09022015). Collection method: clinical testing. Allele origin: germline.

Breakthrough Genomics
Classification: Benign. Review status: criteria provided, single submitter. Criteria: ACMG Guidelines, 2015. Collection method: not provided. Allele origin: germline. Inheritance: Unknown mechanism. Affected: yes.

PreventionGenetics, part of Exact Sciences
Classification: Benign for APBA2-related condition. Last evaluated: 2019-03-25. Review status: no assertion criteria provided. Collection method: clinical testing. Allele origin: germline. Not counted in ClinVar's aggregate classification.
Comment: This variant is classified as benign based on ACMG/AMP sequence variant interpretation guidelines (Richards et al. 2015 PMID: 25741868, with internal and published modifications).

NM_001353788.2(APBA2):c.431C>T (p.Ser144Leu)

Gene: APBA2 (amyloid beta precursor protein binding family A member 2; plus strand). Cytogenetic location: 15q13.1.
Variant type: single nucleotide variant.
Coding change: c.431C>T on transcript NM_001353788.2 (MANE Select); coding-DNA position 431, C replaced by T.
Protein change: p.Ser144Leu; replaces serine 144 with leucine.
Molecular consequence: missense variant.
Genome position (GRCh38, 1-based): chr15:29,054,315, C>T. VCF-style: chr15-29054315-C-T. GRCh37 (hg19) VCF-style: chr15-29346518-C-T.
Other names: c.431C>T, p.Ser144Leu (NM_001130414.1, NM_001353789.2, NM_001353790.2 and 6 more transcripts); short protein forms S144L.
Identifiers: ClinVar variation 776868 (VCV000776868.7), dbSNP rs144066720, ClinGen allele CA7445099.